The following is an entry in ClinVar:

NM_139137.4(KCNC2):c.1904del (p.Pro635fs)

Gene: KCNC2 (potassium voltage-gated channel subfamily C member 2; minus strand). Cytogenetic location: 12q21.1.
Variant type: Deletion.
Coding change: c.1904del on transcript NM_139137.4 (MANE Select); coding-DNA position 1904, one base deleted (C; older notation c.1904delC).
Protein change: p.Pro635fs; shifts the reading frame from proline 635.
Molecular consequence: frameshift variant. On other transcripts: 3 prime UTR variant (1), intron variant (3).
Genome position (GRCh38, 1-based): chr12:75,043,118, G deleted on the plus strand (C on the coding strand, the reverse complement: KCNC2 is on the minus strand); the first of 3 consecutive G bases (chr12:75,043,118-75,043,120); deleting any one gives the same sequence. VCF-style (leftmost placement, unchanged base first): chr12-75043117-TG-T. GRCh37 (hg19) VCF-style: chr12-75436897-TG-T.
Other names: c.*619del (NM_001260497.2); c.1739del, p.Pro580fs (NM_001260499.2); c.1902delC, p.Pro635Hisfs (NM_001414192.1); c.1863delC, p.Pro622Hisfs (NM_001414193.1); c.1851delC, p.Pro618Hisfs (NM_001414194.1); c.*617delC (NM_001414197.1, NM_001414198.1); c.*167delC (NM_001414202.1); c.*739delC (NM_001414206.1, NM_001414213.1); and 3 more; short protein forms P580fs, P635fs.
Identifiers: ClinVar variation 1879241 (VCV001879241.29), dbSNP rs2547830157, ClinGen allele CA2575228463.

ClinVar aggregate classification (germline): Uncertain significance (1 of 4 stars; one submission).

Submission:

CeGaT Center for Human Genetics Tuebingen
Classification: Uncertain significance. Last evaluated: 2022-12-01. Review status: criteria provided, single submitter. Criteria: CeGaT Center For Human Genetics Tuebingen Variant Classification Criteria Version 2. Collection method: clinical testing. Allele origin: germline. Affected: yes. Observed: 1 variant allele.
Comment: KCNC2: PM2, PM4